The following is an entry in ClinVar:

NM_021620.4(PRDM13):c.1628C>T (p.Ser543Leu)

Gene: PRDM13 (PR/SET domain 13; plus strand). Cytogenetic location: 6q16.2.
Variant type: single nucleotide variant.
Coding change: c.1628C>T on transcript NM_021620.4 (MANE Select); coding-DNA position 1628, C replaced by T.
Protein change: p.Ser543Leu; replaces serine 543 with leucine.
Molecular consequence: missense variant.
Genome position (GRCh38, 1-based): chr6:99,614,263, C>T. VCF-style: chr6-99614263-C-T. GRCh37 (hg19) VCF-style: chr6-100062139-C-T.
Other names: short protein forms S543L.
Identifiers: ClinVar variation 852475 (VCV000852475.12), dbSNP rs898362431, ClinGen allele CA143976055.

ClinVar aggregate classification (germline): Uncertain significance. Review status: criteria provided, multiple submitters, no conflicts (2 of 4 stars). 2 submissions from 2 submitters: Uncertain significance (2). Last evaluated 2025-04-14.

Conditions:
Inborn genetic diseases. Identifiers: MedGen C0950123, MeSH D030342.

Allele frequency attached by ClinVar (database versions not stated): gnomAD exomes below 0.00001; TOPMed below 0.00001.
gnomAD v4.1: 1 of 1,608,264 alleles (0.000062%); highest among the groups gnomAD compares: Non-Finnish European, 0.000085%; no homozygotes.

Submissions (2):

Ambry Genetics
Classification: Uncertain significance for Inborn genetic diseases. Last evaluated: 2025-04-14. Review status: criteria provided, single submitter. Criteria: Ambry Variant Classification Scheme 2023. Collection method: clinical testing. Allele origin: germline.

Labcorp Genetics (formerly Invitae), Labcorp
Classification: Uncertain significance. Last evaluated: 2024-10-21. Review status: criteria provided, single submitter. Criteria: Invitae Variant Classification Sherloc (09022015). Collection method: clinical testing. Allele origin: germline.
Comment: This sequence change replaces serine, which is neutral and polar, with leucine, which is neutral and non-polar, at codon 543 of the PRDM13 protein (p.Ser543Leu). This variant is not present in population databases (gnomAD no frequency). This variant has not been reported in the literature in individuals affected with PRDM13-related conditions. ClinVar contains an entry for this variant (Variation ID: 852475). An algorithm developed to predict the effect of missense changes on protein structure and function (PolyPhen-2) suggests that this variant is likely to be tolerated. In summary, the available evidence is currently insufficient to determine the role of this variant in disease. Therefore, it has been classified as a Variant of Uncertain Significance.